The following is an entry in ClinVar:

ClinVar aggregate classification (germline): Conflicting classifications of pathogenicity. Review status: criteria provided, conflicting classifications (1 of 4 stars). 3 submissions from 3 submitters: Uncertain significance (1); Likely benign (1). 1 of the submissions does not count toward it. Last evaluated 2025-01-10.

Conditions:
PLXNA3-related disorder. Also called: PLXNA3-related condition.

Allele frequency attached by ClinVar (database versions not stated): gnomAD 0.00004; TOPMed 0.00006; ESP Exome Variant Server 0.00009.

Submissions (3):

Ambry Genetics
Classification: Uncertain significance. Last evaluated: 2025-01-10. Review status: criteria provided, single submitter. Criteria: Ambry Variant Classification Scheme 2023. Collection method: clinical testing. Allele origin: germline.

CeGaT Center for Human Genetics Tuebingen
Classification: Likely benign. Last evaluated: 2022-08-01. Review status: criteria provided, single submitter. Criteria: CeGaT Center For Human Genetics Tuebingen Variant Classification Criteria Version 2. Collection method: clinical testing. Allele origin: germline. Affected: yes. Observed: 1 variant allele.
Comment: PLXNA3: BP4

PreventionGenetics, part of Exact Sciences
Classification: Likely benign for PLXNA3-related condition. Last evaluated: 2024-01-05. Review status: no assertion criteria provided. Collection method: clinical testing. Allele origin: germline. Not counted in ClinVar's aggregate classification.
Comment: This variant is classified as likely benign based on ACMG/AMP sequence variant interpretation guidelines (Richards et al. 2015 PMID: 25741868, with internal and published modifications).

NM_017514.5(PLXNA3):c.3518C>T (p.Ser1173Leu)

Gene: PLXNA3 (plexin A3; plus strand). Cytogenetic location: Xq28.
Variant type: single nucleotide variant.
Coding change: c.3518C>T on transcript NM_017514.5 (MANE Select); coding-DNA position 3518, C replaced by T.
Protein change: p.Ser1173Leu; replaces serine 1173 with leucine.
Molecular consequence: missense variant.
Genome position (GRCh38, 1-based): chrX:154,467,621, C>T. VCF-style: chrX-154467621-C-T. GRCh37 (hg19) VCF-style: chrX-153695964-C-T.
Other names: c.3518C>T (NM_017514.3); short protein forms S1173L.
Identifiers: ClinVar variation 2661840 (VCV002661840.25), dbSNP rs200093414, ClinGen allele CA10564648.